The following is an entry in ClinVar:

ClinVar aggregate classification (germline): Uncertain significance. Review status: criteria provided, multiple submitters, no conflicts (2 of 4 stars). 3 submissions from 3 submitters: Uncertain significance (3). Last evaluated 2024-10-27.

Conditions:
Aortic aneurysm, familial thoracic 4 (AAT4). Also called: AORTIC ANEURYSM/AORTIC DISSECTION AND PATENT DUCTUS ARTERIOSUS. Identifiers: MedGen C1851504, MONDO:0007568, OMIM 132900.
Familial thoracic aortic aneurysm and aortic dissection (TAAD). Also called: Thoracic aortic aneurysms and dissections. Identifiers: Orphanet 91387, MedGen C4707243, MONDO:0019625.

Allele frequency attached by ClinVar (database versions not stated): gnomAD exomes below 0.00001.
gnomAD v4.1: 2 of 1,614,172 alleles (0.00012%); highest among the groups gnomAD compares: Non-Finnish European, 0.00017%; no homozygotes.

Submissions (3):

Ambry Genetics
Classification: Uncertain significance for Familial thoracic aortic aneurysm and aortic dissection. Last evaluated: 2024-10-27. Review status: criteria provided, single submitter. Criteria: Ambry Variant Classification Scheme 2023. Collection method: clinical testing. Allele origin: germline.
Comment: The p.K567R variant (also known as c.1700A>G), located in coding exon 13 of the MYH11 gene, results from an A to G substitution at nucleotide position 1700. The lysine at codon 567 is replaced by arginine, an amino acid with highly similar properties. This amino acid position is conserved. In addition, this alteration is predicted to be tolerated by in silico analysis. Based on the available evidence, the clinical significance of this variant remains unclear.

All of Us Research Program, National Institutes of Health
Classification: Uncertain significance for Familial thoracic aortic aneurysm and aortic dissection. Last evaluated: 2024-04-25. Review status: criteria provided, single submitter. Criteria: ACMG Guidelines, 2015. Collection method: clinical testing. Allele origin: germline. Inheritance: Autosomal dominant inheritance. Observed: 1 variant allele, 1 heterozygote.
Comment: This missense variant replaces lysine with arginine at codon 574 of the MYH11 protein. Computational prediction suggests that this variant may not impact protein structure and function (internally defined REVEL score threshold <= 0.5, PMID: 27666373). To our knowledge, functional studies have not been reported for this variant. This variant has not been reported in individuals affected with MYH11-related disorders in the literature. This variant has not been identified in the general population by the Genome Aggregation Database (gnomAD). The available evidence is insufficient to determine the role of this variant in disease conclusively. Therefore, this variant is classified as a Variant of Uncertain Significance.

This study involves interpretation of variants in research participants for the purpose of population health screening. Participant phenotype was not available at the time of variant classification. Additional details can be found in publication PMID: 35346344, PMCID: PMC8962531

Labcorp Genetics (formerly Invitae), Labcorp
Classification: Uncertain significance for Aortic aneurysm, familial thoracic 4. Last evaluated: 2018-11-26. Review status: criteria provided, single submitter. Criteria: Invitae Variant Classification Sherloc (09022015). Collection method: clinical testing. Allele origin: germline.
Comment: In summary, the available evidence is currently insufficient to determine the role of this variant in disease. Therefore, it has been classified as a Variant of Uncertain Significance. Algorithms developed to predict the effect of missense changes on protein structure and function are either unavailable or do not agree on the potential impact of this missense change (SIFT: "Deleterious"; PolyPhen-2: "Probably Damaging"; Align-GVGD: "Class C0"). This variant has not been reported in the literature in individuals with MYH11-related disease. This variant is not present in population databases (ExAC no frequency). This sequence change replaces lysine with arginine at codon 574 of the MYH11 protein (p.Lys574Arg). The lysine residue is highly conserved and there is a small physicochemical difference between lysine and arginine.

NM_002474.3(MYH11):c.1700A>G (p.Lys567Arg)

Gene: MYH11 (myosin heavy chain 11; minus strand). Cytogenetic location: 16p13.11.
Variant type: single nucleotide variant.
Coding change: c.1700A>G on transcript NM_002474.3 (MANE Select); coding-DNA position 1700, A replaced by G.
Protein change: p.Lys567Arg; replaces lysine 567 with arginine.
Molecular consequence: missense variant.
Genome position (GRCh38, 1-based): chr16:15,756,390, T>C on the plus strand (A>G on the coding strand, the complement: MYH11 is on the minus strand). VCF-style: chr16-15756390-T-C. GRCh37 (hg19) VCF-style: chr16-15850247-T-C.
Other names: c.1721A>G, p.Lys574Arg (NM_001040113.2, NM_001040114.2); c.1700A>G, p.Lys567Arg (NM_022844.3); c.1700A>G (NM_002474.2); short protein forms K574R, K567R.
Identifiers: ClinVar variation 664281 (VCV000664281.10), dbSNP rs1596787649, ClinGen allele CA394870343.